The following is an entry in ClinVar:

ClinVar aggregate classification (germline): Conflicting classifications of pathogenicity. Review status: criteria provided, conflicting classifications (1 of 4 stars). 3 submissions from 3 submitters: Uncertain significance (2); Likely benign (1). Last evaluated 2025-12-22.

Conditions:
Developmental delay, hypotonia, musculoskeletal defects, and behavioral abnormalities. Identifiers: MedGen C5562012, MONDO:0859202, OMIM 619595.
Floating-Harbor syndrome (FLHS). Also called: Short stature with delayed bone age, expressive language delay, a triangular face with a prominent nose and deep-set eyes; Pelletier-Leisti syndrome; SRCAP-Related Floating-Harbor Syndrome. Identifiers: Orphanet 2044, MedGen C0729582, MONDO:0007621, OMIM 136140.
Inborn genetic diseases. Identifiers: MedGen C0950123, MeSH D030342.

Allele frequency attached by ClinVar (database versions not stated): gnomAD 0.00005; TOPMed 0.00006; ExAC 0.00007; ESP Exome Variant Server 0.00008.
gnomAD v4.1: 150 of 1,605,008 alleles (0.0093%); highest among the groups gnomAD compares: Non-Finnish European, 0.012%; no homozygotes.

Submissions (3):

Labcorp Genetics (formerly Invitae), Labcorp
Classification: Uncertain significance. Last evaluated: 2025-12-22. Review status: criteria provided, single submitter. Criteria: Invitae Variant Classification Sherloc (09022015). Collection method: clinical testing. Allele origin: germline.
Comment: This sequence change replaces valine, which is neutral and non-polar, with isoleucine, which is neutral and non-polar, at codon 2460 of the SRCAP protein (p.Val2460Ile). This variant is present in population databases (rs140801551, gnomAD 0.009%). This variant has not been reported in the literature in individuals affected with SRCAP-related conditions. ClinVar contains an entry for this variant (Variation ID: 2079166). Invitae Evidence Modeling of protein sequence and biophysical properties (such as structural, functional, and spatial information, amino acid conservation, physicochemical variation, residue mobility, and thermodynamic stability) indicates that this missense variant is not expected to disrupt SRCAP protein function with a negative predictive value of 80%. In summary, the available evidence is currently insufficient to determine the role of this variant in disease. Therefore, it has been classified as a Variant of Uncertain Significance.

Ambry Genetics
Classification: Likely benign for Inborn genetic diseases. Last evaluated: 2025-09-05. Review status: criteria provided, single submitter. Criteria: Ambry Variant Classification Scheme 2023. Collection method: clinical testing. Allele origin: germline.

Department of Pathology and Laboratory Medicine, Sinai Health System
Classification: Uncertain significance for Floating-Harbor syndrome; Developmental delay, hypotonia, musculoskeletal defects, and behavioral abnormalities. Last evaluated: 2021-07-30. Review status: criteria provided, single submitter. Criteria: ACMG Guidelines, 2015. Collection method: research. Allele origin: germline.

NM_006662.3(SRCAP):c.7378G>A (p.Val2460Ile)

Gene: SRCAP (Snf2 related CREBBP activator protein; plus strand). Cytogenetic location: 16p11.2.
Variant type: single nucleotide variant.
Coding change: c.7378G>A on transcript NM_006662.3 (MANE Select); coding-DNA position 7378, G replaced by A.
Protein change: p.Val2460Ile; replaces valine 2460 with isoleucine.
Molecular consequence: missense variant.
Genome position (GRCh38, 1-based): chr16:30,737,418, G>A. VCF-style: chr16-30737418-G-A. GRCh37 (hg19) VCF-style: chr16-30748739-G-A.
Other names: c.7378G>A (NM_006662.2); short protein forms V2460I.
Identifiers: ClinVar variation 2079166 (VCV002079166.6), dbSNP rs140801551, ClinGen allele CA8012473.